The following is an entry in ClinVar:

ClinVar aggregate classification (germline): Conflicting classifications of pathogenicity. Review status: criteria provided, conflicting classifications (1 of 4 stars). 5 submissions from 5 submitters: Uncertain significance (2); Likely benign (3). Last evaluated 2026-09-21.

Conditions:
Familial thoracic aortic aneurysm and aortic dissection (TAAD). Also called: Thoracic aortic aneurysms and dissections. Identifiers: Orphanet 91387, MedGen C4707243, MONDO:0019625.

Allele frequency attached by ClinVar (database versions not stated): ESP Exome Variant Server 0.00008; gnomAD exomes 0.00016; ExAC 0.00020; TOPMed 0.00021; gnomAD 0.00025.
gnomAD v4.1: 259 of 1,613,716 alleles (0.016%); highest among the groups gnomAD compares: Non-Finnish European, 0.018%; 1 homozygote.

Submissions (5):

Molecular Diagnostic Laboratory for Inherited Cardiovascular Disease, Montreal Heart Institute
Classification: Likely benign. Last evaluated: 2026-09-21. Review status: criteria provided, single submitter. Criteria: ACMG Guidelines, 2015. Collection method: clinical testing. Allele origin: germline. Affected: no.

Women's Health and Genetics/Laboratory Corporation of America, LabCorp
Classification: Uncertain significance. Last evaluated: 2025-10-29. Review status: criteria provided, single submitter. Criteria: LabCorp Variant Classification Summary - May 2015. Collection method: clinical testing. Allele origin: germline.

Blueprint Genetics
Classification: Likely benign. Last evaluated: 2024-11-22. Review status: criteria provided, single submitter. Criteria: ACMG Guidelines, 2015. Collection method: clinical testing. Allele origin: germline.

CHEO Genetics Diagnostic Laboratory, Children's Hospital of Eastern Ontario
Classification: Uncertain significance for Familial thoracic aortic aneurysm and aortic dissection. Last evaluated: 2023-02-16. Review status: criteria provided, single submitter. Criteria: ACMG Guidelines, 2015. Collection method: clinical testing. Allele origin: germline.

GeneDx
Classification: Likely benign. Last evaluated: 2017-10-31. Review status: criteria provided, single submitter. Criteria: GeneDx Variant Classification (06012015). Collection method: clinical testing. Allele origin: germline. Affected: yes.
Comment: This variant is considered likely benign or benign based on one or more of the following criteria: it is a conservative change, it occurs at a poorly conserved position in the protein, it is predicted to be benign by multiple in silico algorithms, and/or has population frequency not consistent with disease.

NM_030777.4(SLC2A10):c.*8G>A

Gene: SLC2A10 (solute carrier family 2 member 10; plus strand). Cytogenetic location: 20q13.12.
Variant type: single nucleotide variant.
Coding change: c.*8G>A on transcript NM_030777.4 (MANE Select); 8 bases downstream of the stop codon, G replaced by A.
Molecular consequence: 3 prime UTR variant.
Genome position (GRCh38, 1-based): chr20:46,733,842, G>A. VCF-style: chr20-46733842-G-A. GRCh37 (hg19) VCF-style: chr20-45362481-G-A.
Identifiers: ClinVar variation 379210 (VCV000379210.5), dbSNP rs375282462, ClinGen allele CA9892283.